The following is an entry in ClinVar:

NM_021800.3(DNAJC12):c.461C>T (p.Pro154Leu)

Gene: DNAJC12 (DnaJ heat shock protein family (Hsp40) member C12; minus strand). Cytogenetic location: 10q21.3.
Variant type: single nucleotide variant.
Coding change: c.461C>T on transcript NM_021800.3 (MANE Select); coding-DNA position 461, C replaced by T.
Protein change: p.Pro154Leu; replaces proline 154 with leucine.
Molecular consequence: missense variant.
Genome position (GRCh38, 1-based): chr10:67,805,624, G>A on the plus strand (C>T on the coding strand, the complement: DNAJC12 is on the minus strand). VCF-style: chr10-67805624-G-A. GRCh37 (hg19) VCF-style: chr10-69565382-G-A.
Other names: short protein forms P154L.
Identifiers: ClinVar variation 3676314 (VCV003676314.8).

ClinVar aggregate classification (germline): Uncertain significance. Review status: criteria provided, multiple submitters, no conflicts (2 of 4 stars). 2 submissions from 2 submitters: Uncertain significance (2). Last evaluated 2025-10-01.

gnomAD v4.1: 8 of 1,612,882 alleles (0.0005%); highest among the groups gnomAD compares: Non-Finnish European, 0.00068%; no homozygotes.

Submissions (2):

CeGaT Center for Human Genetics Tuebingen
Classification: Uncertain significance. Last evaluated: 2025-10-01. Review status: criteria provided, single submitter. Criteria: CeGaT Center For Human Genetics Tuebingen Variant Classification Criteria Version 2. Collection method: clinical testing. Allele origin: germline. Affected: yes. Observed: 1 variant allele.
Comment: DNAJC12: PM2, BP4

Labcorp Genetics (formerly Invitae), Labcorp
Classification: Uncertain significance. Last evaluated: 2024-10-07. Review status: criteria provided, single submitter. Criteria: Invitae Variant Classification Sherloc (09022015). Collection method: clinical testing. Allele origin: germline.
Comment: This sequence change replaces proline, which is neutral and non-polar, with leucine, which is neutral and non-polar, at codon 154 of the DNAJC12 protein (p.Pro154Leu). This variant is present in population databases (no rsID available, gnomAD 0.0009%). This variant has not been reported in the literature in individuals affected with DNAJC12-related conditions. An algorithm developed to predict the effect of missense changes on protein structure and function (PolyPhen-2) suggests that this variant is likely to be tolerated. In summary, the available evidence is currently insufficient to determine the role of this variant in disease. Therefore, it has been classified as a Variant of Uncertain Significance.